The following is an entry in ClinVar:

ClinVar aggregate classification (germline): Uncertain significance (1 of 4 stars; one submission).

Submission:

Labcorp Genetics (formerly Invitae), Labcorp
Classification: Uncertain significance. Last evaluated: 2022-12-31. Review status: criteria provided, single submitter. Criteria: Invitae Variant Classification Sherloc (09022015). Collection method: clinical testing. Allele origin: germline.
Comment: This sequence change replaces glycine, which is neutral and non-polar, with valine, which is neutral and non-polar, at codon 2398 of the FREM2 protein (p.Gly2398Val). This variant is not present in population databases (gnomAD no frequency). This variant has not been reported in the literature in individuals affected with FREM2-related conditions. Algorithms developed to predict the effect of missense changes on protein structure and function are either unavailable or do not agree on the potential impact of this missense change (SIFT: "Deleterious"; PolyPhen-2: "Probably Damaging"; Align-GVGD: "Class C0"). In summary, the available evidence is currently insufficient to determine the role of this variant in disease. Therefore, it has been classified as a Variant of Uncertain Significance.

NM_207361.6(FREM2):c.7193G>T (p.Gly2398Val)

Gene: FREM2 (FRAS1 related extracellular matrix 2; plus strand). Cytogenetic location: 13q13.3.
Variant type: single nucleotide variant.
Coding change: c.7193G>T on transcript NM_207361.6 (MANE Select); coding-DNA position 7193, G replaced by T.
Protein change: p.Gly2398Val; replaces glycine 2398 with valine.
Molecular consequence: missense variant.
Genome position (GRCh38, 1-based): chr13:38,858,011, G>T. VCF-style: chr13-38858011-G-T. GRCh37 (hg19) VCF-style: chr13-39432148-G-T.
Other names: short protein forms G2398V.
Identifiers: ClinVar variation 2823060 (VCV002823060.3), dbSNP rs1294788738, ClinGen allele CA387898112.